The following is an entry in ClinVar:

NM_005188.4(CBL):c.189G>C (p.Met63Ile)

Genes: CBL (Cbl proto-oncogene; plus strand), LOC130006895 (ATAC-STARR-seq lymphoblastoid silent region 3975; plus strand). Cytogenetic location: 11q23.3.
Variant type: single nucleotide variant.
Coding change: c.189G>C on transcript NM_005188.4 (MANE Select); coding-DNA position 189, G replaced by C.
Protein change: p.Met63Ile; replaces methionine 63 with isoleucine.
Molecular consequence: missense variant.
Genome position (GRCh38, 1-based): chr11:119,206,606, G>C. VCF-style: chr11-119206606-G-C. GRCh37 (hg19) VCF-style: chr11-119077316-G-C.
Other names: short protein forms M63I.
Identifiers: ClinVar variation 4825163 (VCV004825163.1).
Genomic context (GRCh38, chr11:119,206,606, plus strand): 5'-CAGCCCCCACCCGCCGGGGACGGTGGACAAGAAGATGGTGGAGAAGTGCTGGAAGCTCAT[G>C]GACAAGGTGAAAGGCCGGCTGAGCGCCCGCTGTTGCAGGGTGGGCGTGGGCGGAGGGCCG-3'
Protein context (NP_005179.2, residues 53-73): KKMVEKCWKL[Met63Ile]DKVVRLCQNP

ClinVar aggregate classification (germline): Uncertain significance (1 of 4 stars; one submission).

Conditions:
Cardiovascular phenotype. Identifiers: MedGen CN230736.

Submission:

Ambry Genetics
Classification: Uncertain significance for Cardiovascular phenotype. Last evaluated: 2026-01-16. Review status: criteria provided, single submitter. Criteria: Ambry Variant Classification Scheme 2023. Collection method: clinical testing. Allele origin: germline.
Comment: The p.M63I variant (also known as c.189G>C), located in coding exon 1 of the CBL gene, results from a G to C substitution at nucleotide position 189. The methionine at codon 63 is replaced by isoleucine, an amino acid with highly similar properties. This amino acid position is conserved. In addition, the in silico prediction for this alteration is inconclusive. Based on the available evidence, the clinical significance of this variant remains unclear.